The following is an entry in ClinVar:

ClinVar aggregate classification (germline): Uncertain significance (1 of 4 stars; one submission).

Conditions:
Gingival disorder. Also called: Gingival disease. Identifiers: MedGen C0017563, MONDO:0002021.

Allele frequency attached by ClinVar (database versions not stated): gnomAD exomes below 0.00001.

Submission:

Labcorp Genetics (formerly Invitae), Labcorp
Classification: Uncertain significance for Gingival disorder. Last evaluated: 2025-02-24. Review status: criteria provided, single submitter. Criteria: Invitae Variant Classification Sherloc (09022015). Collection method: clinical testing. Allele origin: germline.
Comment: This sequence change replaces methionine, which is neutral and non-polar, with valine, which is neutral and non-polar, at codon 197 of the FPR1 protein (p.Met197Val). This variant is not present in population databases (gnomAD no frequency). This variant has not been reported in the literature in individuals affected with FPR1-related conditions. ClinVar contains an entry for this variant (Variation ID: 1719064). An algorithm developed to predict the effect of missense changes on protein structure and function outputs the following: PolyPhen-2: "Benign". The valine amino acid residue is found in multiple mammalian species, which suggests that this missense change does not adversely affect protein function. In summary, the available evidence is currently insufficient to determine the role of this variant in disease. Therefore, it has been classified as a Variant of Uncertain Significance.

NM_002029.4(FPR1):c.589A>G (p.Met197Val)

Gene: FPR1 (formyl peptide receptor 1; minus strand). Cytogenetic location: 19q13.41.
Variant type: single nucleotide variant.
Coding change: c.589A>G on transcript NM_002029.4 (MANE Select); coding-DNA position 589, A replaced by G.
Protein change: p.Met197Val; replaces methionine 197 with valine.
Molecular consequence: missense variant.
Genome position (GRCh38, 1-based): chr19:51,746,406, T>C on the plus strand (A>G on the coding strand, the complement: FPR1 is on the minus strand). VCF-style: chr19-51746406-T-C. GRCh37 (hg19) VCF-style: chr19-52249659-T-C.
Other names: c.589A>G, p.Met197Val (NM_001193306.2); short protein forms M197V.
Identifiers: ClinVar variation 1719064 (VCV001719064.5), dbSNP rs2513920095, ClinGen allele CA407118016.